The following is an entry in ClinVar:

NM_017780.4(CHD7):c.8037T>G (p.Phe2679Leu)

Gene: CHD7 (chromodomain helicase DNA binding protein 7; plus strand). Cytogenetic location: 8q12.2.
Variant type: single nucleotide variant.
Coding change: c.8037T>G on transcript NM_017780.4 (MANE Select); coding-DNA position 8037, T replaced by G.
Protein change: p.Phe2679Leu; replaces phenylalanine 2679 with leucine.
Molecular consequence: missense variant.
Genome position (GRCh38, 1-based): chr8:60,862,613, T>G. VCF-style: chr8-60862613-T-G. GRCh37 (hg19) VCF-style: chr8-61775172-T-G.
Other names: c.1890T>G, p.Phe630Leu (NM_001316690.1); short protein forms F2679L, F630L.
Identifiers: ClinVar variation 3026828 (VCV003026828.22), dbSNP rs2488122302, ClinGen allele CA371305909.

ClinVar aggregate classification (germline): Uncertain significance (1 of 4 stars; one submission).

Submission:

CeGaT Center for Human Genetics Tuebingen
Classification: Uncertain significance. Last evaluated: 2024-01-01. Review status: criteria provided, single submitter. Criteria: CeGaT Center For Human Genetics Tuebingen Variant Classification Criteria Version 2. Collection method: clinical testing. Allele origin: germline. Affected: yes. Observed: 1 variant allele.
Comment: CHD7: PM2